The following is an entry in ClinVar:

NM_152564.5(VPS13B):c.2282C>A (p.Pro761His)

Gene: VPS13B (vacuolar protein sorting 13 homolog B; plus strand). Cytogenetic location: 8q22.2.
Variant type: single nucleotide variant.
Coding change: c.2282C>A on transcript NM_152564.5 (MANE Select); coding-DNA position 2282, C replaced by A.
Protein change: p.Pro761His; replaces proline 761 with histidine.
Molecular consequence: missense variant.
Genome position (GRCh38, 1-based): chr8:99,170,112, C>A. VCF-style: chr8-99170112-C-A. GRCh37 (hg19) VCF-style: chr8-100182340-C-A.
Other names: p.Pro761His; c.2282C>A, p.Pro761His (NM_015243.3, NM_017890.5); c.2282C>A (NM_152564.4, NM_017890.3); short protein forms P761H.
Identifiers: ClinVar variation 642310 (VCV000642310.21), dbSNP rs186644576, ClinGen allele CA4822864.

ClinVar aggregate classification (germline): Uncertain significance. Review status: criteria provided, multiple submitters, no conflicts (2 of 4 stars). 8 submissions from 8 submitters: Uncertain significance (7). 1 of the submissions does not count toward it. Last evaluated 2026-06-21.

Conditions:
VPS13B-related disorder. Also called: VPS13B-related condition.
Inborn genetic diseases. Identifiers: MedGen C0950123, MeSH D030342.
Cohen syndrome (COH1). Also called: Cutis verticis gyrata, retinitis pigmentosa, and sensorineural deafness; PEPPER SYNDROME. Identifiers: Orphanet 193, MedGen C0265223, MONDO:0008999, OMIM 216550.

Allele frequency attached by ClinVar (database versions not stated): ExAC 0.00005; gnomAD exomes 0.00006 and 0.00019; gnomAD 0.00009 and 0.00010; TOPMed 0.00014; 1000 Genomes Project 30x 0.00016; 1000 Genomes Project 0.00020; ESP Exome Variant Server 0.00023.
gnomAD v4.1: 293 of 1,612,888 alleles (0.018%); highest among the groups gnomAD compares: Non-Finnish European, 0.023%; no homozygotes.

Submissions (8):

PreventionGenetics, part of Exact Sciences
Classification: Uncertain significance for VPS13B-related condition. Last evaluated: 2026-06-21. Review status: criteria provided, single submitter. Criteria: ACMG Guidelines, 2015. Collection method: clinical testing. Allele origin: germline.
Comment: The VPS13B c.2282C>A variant is predicted to result in the amino acid substitution p.Pro761His. To our knowledge, this variant has not been reported in the literature. This variant is reported in 0.010% of alleles in individuals of European (non-Finnish) descent in gnomAD. At this time, the clinical significance of this variant is uncertain due to the absence of conclusive functional and genetic evidence.

GeneDx
Classification: Uncertain significance. Last evaluated: 2025-07-29. Review status: criteria provided, single submitter. Criteria: GeneDx Variant Classification Process June 2021. Collection method: clinical testing. Allele origin: germline. Affected: yes.
Comment: Not observed at significant frequency in large population cohorts (gnomAD); In silico analysis supports that this missense variant has a deleterious effect on protein structure/function; Has not been previously published as pathogenic or benign to our knowledge

Blueprint Genetics
Classification: Uncertain significance. Last evaluated: 2024-05-08. Review status: criteria provided, single submitter. Criteria: ACMG Guidelines, 2015. Collection method: clinical testing. Allele origin: germline.

Mayo Clinic Laboratories, Mayo Clinic
Classification: Uncertain significance. Last evaluated: 2024-03-08. Review status: criteria provided, single submitter. Criteria: ACMG Guidelines, 2015. Collection method: clinical testing. Allele origin: germline. Observed: 1 variant allele.
Comment: BP1

Ambry Genetics
Classification: Uncertain significance for Inborn genetic diseases. Last evaluated: 2023-05-17. Review status: criteria provided, single submitter. Criteria: Ambry Variant Classification Scheme 2023. Collection method: clinical testing. Allele origin: germline.

Labcorp Genetics (formerly Invitae), Labcorp
Classification: Uncertain significance for Cohen syndrome. Last evaluated: 2022-08-23. Review status: criteria provided, single submitter. Criteria: Invitae Variant Classification Sherloc (09022015). Collection method: clinical testing. Allele origin: germline.
Comment: This sequence change replaces proline, which is neutral and non-polar, with histidine, which is basic and polar, at codon 761 of the VPS13B protein (p.Pro761His). This variant is present in population databases (rs186644576, gnomAD 0.01%). This variant has not been reported in the literature in individuals affected with VPS13B-related conditions. ClinVar contains an entry for this variant (Variation ID: 642310). Algorithms developed to predict the effect of missense changes on protein structure and function are either unavailable or do not agree on the potential impact of this missense change (SIFT: "Not Available"; PolyPhen-2: "Probably Damaging"; Align-GVGD: "Not Available"). In summary, the available evidence is currently insufficient to determine the role of this variant in disease. Therefore, it has been classified as a Variant of Uncertain Significance.

Illumina Laboratory Services, Illumina
Classification: Uncertain significance for Cohen syndrome. Last evaluated: 2018-01-12. Review status: criteria provided, single submitter. Criteria: ICSL Variant Classification Criteria 13 December 2019. Collection method: clinical testing. Allele origin: germline.

Natera, Inc.
Classification: Uncertain significance for Cohen syndrome. Last evaluated: 2020-03-24. Review status: no assertion criteria provided. Collection method: clinical testing. Allele origin: germline. Not counted in ClinVar's aggregate classification.